The following is an entry in ClinVar:

ClinVar aggregate classification (germline): Conflicting classifications of pathogenicity. Review status: criteria provided, conflicting classifications (1 of 4 stars). 9 submissions from 9 submitters: Uncertain significance (7); Likely benign (1). 1 of the submissions does not count toward it. Last evaluated 2026-02-20.

Conditions:
Inborn genetic diseases. Identifiers: MedGen C0950123, MeSH D030342.
Polycystic kidney disease, adult type (PKD1). Also called: POLYCYSTIC KIDNEY DISEASE 1 WITH OR WITHOUT POLYCYSTIC LIVER DISEASE; Polycystic Kidney Disease 1, Autosomal Dominant; Polycystic kidney disease 1; Polycystic kidney disease 1, severe; POLYCYSTIC KIDNEY DISEASE, ADULT, TYPE I; Polycystic Kidney, Autosomal Dominant. Identifiers: MedGen C3149841, MONDO:0008263, OMIM 173900.
PKD1-related disorder. Also called: PKD1-related condition.

Allele frequency attached by ClinVar (database versions not stated): gnomAD 0.00026 and 0.00032; TOPMed 0.00032; 1000 Genomes Project 0.00060; gnomAD exomes 0.00063; 1000 Genomes Project 30x 0.00078; ExAC 0.00099.
gnomAD v4.1: 573 of 1,532,946 alleles (0.037%); highest among the groups gnomAD compares: Middle Eastern, 0.75%; 7 homozygotes.

Submissions (9):

Women's Health and Genetics/Laboratory Corporation of America, LabCorp
Classification: Uncertain significance. Last evaluated: 2026-02-20. Review status: criteria provided, single submitter. Criteria: LabCorp Variant Classification Summary - May 2015. Collection method: clinical testing. Allele origin: germline.
Comment: Variant summary: PKD1 c.11870G>A (p.Gly3957Asp) results in a non-conservative amino acid change in the encoded protein sequence. Algorithms developed to predict the effect of missense changes on protein structure and function are either unavailable or do not agree on the potential impact of this missense change. The variant allele was found at a frequency of 0.00063 in 128456 control chromosomes (gnomAD). This frequency is not significantly higher than estimated for a pathogenic variant in PKD1 causing PKD1-Biallelic Autosomal Recessive Polycystic Kidney Disease, allowing no conclusion about variant significance. c.11870G>A has been observed in an individual(s) affected with Polycystic Kidney Disease without evidence of causality (e.g., Nigro_2023). These report(s) do not provide unequivocal conclusions about association of the variant with PKD1-Biallelic Autosomal Recessive Polycystic Kidney Disease. To our knowledge, no experimental evidence demonstrating an impact on protein function has been reported. ClinVar contains an entry for this variant (Variation ID: 930339). Based on the evidence outlined above, the variant was classified as uncertain significance.

Blueprint Genetics
Classification: Likely benign. Last evaluated: 2024-11-18. Review status: criteria provided, single submitter. Criteria: ACMG Guidelines, 2015. Collection method: clinical testing. Allele origin: germline.

Athena Diagnostics
Classification: Uncertain significance. Last evaluated: 2023-11-03. Review status: criteria provided, single submitter. Criteria: Athena Diagnostics Criteria. Collection method: clinical testing. Allele origin: unknown.

Department of Pathology and Laboratory Medicine, Sinai Health System
Classification: Uncertain significance for Polycystic kidney disease, adult type. Last evaluated: 2022-04-19. Review status: criteria provided, single submitter. Criteria: ACMG Guidelines, 2015. Collection method: research. Allele origin: germline.

Ambry Genetics
Classification: Uncertain significance for Inborn genetic diseases. Last evaluated: 2021-08-17. Review status: criteria provided, single submitter. Criteria: Ambry Variant Classification Scheme 2023. Collection method: clinical testing. Allele origin: germline.

ARUP Laboratories, Molecular Genetics and Genomics, ARUP Laboratories
Classification: Uncertain significance for Polycystic kidney disease, adult type. Last evaluated: 2019-08-15. Review status: criteria provided, single submitter. Criteria: ARUP Molecular Germline Variant Investigation Process. Collection method: clinical testing. Allele origin: germline.
Comment: The PKD1 c.11870G>A; p.Gly3957Asp variant (rs536586062) is reported in the literature as likely neutral in at least one individual affected with polycystic kidney disease who also carried other rare PKD1 variants (Eisenberger 2015). This variant is found in the general population with an overall allele frequency of 0.056% (90/159624 alleles) in the Genome Aggregation Database. The glycine at codon 3957 is weakly conserved, and computational analyses (SIFT: tolerated, PolyPhen-2: possibly damaging) predict conflicting effects of this variant on protein structure/function. Due to limited information, the clinical significance of the p.Gly3957Asp variant is uncertain at this time. References: Eisenberger T et al. An efficient and comprehensive strategy for genetic diagnostics of polycystic kidney disease. PLoS One. 2015 Feb 3;10(2):e0116680.

Centre for Mendelian Genomics, University Medical Centre Ljubljana
Classification: Uncertain significance for Polycystic kidney disease, adult type. Last evaluated: 2016-01-01. Review status: criteria provided, single submitter. Criteria: ACMG Guidelines, 2015. Collection method: clinical testing. Allele origin: unknown. Affected: yes.
Comment: This variant was classified as: Uncertain significance. The following ACMG criteria were applied in classifying this variant: PM2.

Breakthrough Genomics
Classification: Uncertain significance. Review status: criteria provided, single submitter. Criteria: ACMG Guidelines, 2015. Collection method: not provided. Allele origin: germline. Inheritance: Autosomal dominant inheritance. Affected: yes.

PreventionGenetics, part of Exact Sciences
Classification: Likely benign for PKD1-related condition. Last evaluated: 2023-02-27. Review status: no assertion criteria provided. Collection method: clinical testing. Allele origin: germline. Not counted in ClinVar's aggregate classification.
Comment: This variant is classified as likely benign based on ACMG/AMP sequence variant interpretation guidelines (Richards et al. 2015 PMID: 25741868, with internal and published modifications).

Literature cited by the submitters: PubMed 38674417 (cited by Women's Health and Genetics/Laboratory Corporation of America, LabCorp); PubMed 31079206 (cited by Women's Health and Genetics/Laboratory Corporation of America, LabCorp).

NM_001009944.3(PKD1):c.11870G>A (p.Gly3957Asp)

Gene: PKD1 (polycystin 1, transient receptor potential channel interacting; minus strand). Cytogenetic location: 16p13.3.
Variant type: single nucleotide variant.
Coding change: c.11870G>A on transcript NM_001009944.3 (MANE Select); coding-DNA position 11870, G replaced by A.
Protein change: p.Gly3957Asp; replaces glycine 3957 with aspartic acid.
Molecular consequence: missense variant.
Genome position (GRCh38, 1-based): chr16:2,091,017, C>T on the plus strand (G>A on the coding strand, the complement: PKD1 is on the minus strand). VCF-style: chr16-2091017-C-T. GRCh37 (hg19) VCF-style: chr16-2141018-C-T.
Other names: c.11867G>A (NM_000296.3); c.11867G>A, p.Gly3956Asp (NM_000296.4); short protein forms G3956D, G3957D.
Identifiers: ClinVar variation 930339 (VCV000930339.21), dbSNP rs536586062, ClinGen allele CA7828950.